The following is an entry in ClinVar:

NM_003482.4(KMT2D):c.8228A>G (p.Gln2743Arg)

Gene: KMT2D (lysine methyltransferase 2D; minus strand). Cytogenetic location: 12q13.12.
Variant type: single nucleotide variant.
Coding change: c.8228A>G on transcript NM_003482.4 (MANE Select); coding-DNA position 8228, A replaced by G.
Protein change: p.Gln2743Arg; replaces glutamine 2743 with arginine.
Molecular consequence: missense variant.
Genome position (GRCh38, 1-based): chr12:49,039,436, T>C on the plus strand (A>G on the coding strand, the complement: KMT2D is on the minus strand). VCF-style: chr12-49039436-T-C. GRCh37 (hg19) VCF-style: chr12-49433219-T-C.
Other names: short protein forms Q2743R.
Identifiers: ClinVar variation 2176464 (VCV002176464.4), dbSNP rs2120511268, ClinGen allele CA384743238.

ClinVar aggregate classification (germline): Uncertain significance (1 of 4 stars; one submission).

Conditions:
Kabuki syndrome. Also called: Kabuki make-up syndrome; NIIKAWA-KUROKI SYNDROME. Identifiers: Orphanet 2322, MedGen C0796004, MONDO:0016512.

Allele frequency attached by ClinVar (database versions not stated): gnomAD exomes below 0.00001.
gnomAD v4.1: 1 of 1,599,776 alleles (0.000063%); highest among the groups gnomAD compares: Admixed American, 0.0017%; no homozygotes.

Submission:

Labcorp Genetics (formerly Invitae), Labcorp
Classification: Uncertain significance for Kabuki syndrome. Last evaluated: 2022-09-01. Review status: criteria provided, single submitter. Criteria: Invitae Variant Classification Sherloc (09022015). Collection method: clinical testing. Allele origin: germline.
Comment: In summary, the available evidence is currently insufficient to determine the role of this variant in disease. Therefore, it has been classified as a Variant of Uncertain Significance. Algorithms developed to predict the effect of missense changes on protein structure and function are either unavailable or do not agree on the potential impact of this missense change (SIFT: "Deleterious"; PolyPhen-2: "Probably Damaging"; Align-GVGD: "Class C0"). This missense change has been observed in at least one individual who was not affected with KMT2D-related conditions (Invitae). This variant has not been reported in the literature in individuals affected with KMT2D-related conditions. This variant is not present in population databases (gnomAD no frequency). This sequence change replaces glutamine, which is neutral and polar, with arginine, which is basic and polar, at codon 2743 of the KMT2D protein (p.Gln2743Arg).